The following is an entry in ClinVar:

ClinVar aggregate classification (germline): Uncertain significance (1 of 4 stars; one submission).

Submission:

GeneDx
Classification: Uncertain significance. Last evaluated: 2022-04-13. Review status: criteria provided, single submitter. Criteria: GeneDx Variant Classification Process June 2021. Collection method: clinical testing. Allele origin: germline. Affected: yes.
Comment: Not observed at significant frequency in large population cohorts (gnomAD); In silico analysis supports that this missense variant has a deleterious effect on protein structure/function; Has not been previously published as pathogenic or benign to our knowledge

NM_002025.4(AFF2):c.791G>T (p.Gly264Val)

Gene: AFF2 (ALF transcription elongation factor 2; plus strand). Cytogenetic location: Xq28.
Variant type: single nucleotide variant.
Coding change: c.791G>T on transcript NM_002025.4 (MANE Select); coding-DNA position 791, G replaced by T.
Protein change: p.Gly264Val; replaces glycine 264 with valine.
Molecular consequence: missense variant.
Genome position (GRCh38, 1-based): chrX:148,662,518, G>T. VCF-style: chrX-148662518-G-T. GRCh37 (hg19) VCF-style: chrX-147744039-G-T.
Other names: c.779G>T, p.Gly260Val (NM_001169122.2, NM_001169123.2, NM_001169125.2); c.791G>T, p.Gly264Val (NM_001169124.2); short protein forms G260V, G264V.
Identifiers: ClinVar variation 1710673 (VCV001710673.2), dbSNP rs2521398395, ClinGen allele CA414510001.
Genomic context (GRCh38, chrX:148,662,518, plus strand): 5'-TCGCCGTGCAAGCGCCTGGGTCTCCCCTAGTGGCTTCCTCTTTATTAGCTCCTAGCAGTG[G>T]CCTTTCAGTTCAAAACTTCCCACCAGGGCTTTACTGCAAAACAAGCATGGGGCAGCAAAA-3'
Protein context (NP_002016.2, residues 254-274): VASSLLAPSS[Gly264Val]LSVQNFPPGL